The following is an entry in ClinVar:

ClinVar aggregate classification (germline): Conflicting classifications of pathogenicity. Review status: criteria provided, conflicting classifications (1 of 4 stars). 7 submissions from 7 submitters: Uncertain significance (4); Benign (1); Likely benign (2). Last evaluated 2025-05-01.

Conditions:
Tuberous sclerosis syndrome (TSC). Also called: Tuberous Sclerosis Complex; Tuberous sclerosis. Identifiers: Orphanet 805, MedGen C0041341, MONDO:0001734.
Tuberous sclerosis 2 (TSC2). Identifiers: Orphanet 805, MedGen C1860707, MONDO:0013199, OMIM 613254.
Hereditary cancer-predisposing syndrome. Also called: Neoplastic Syndromes, Hereditary; Hereditary Cancer Syndrome; Tumor predisposition; Hereditary neoplastic syndrome. Identifiers: Orphanet 140162, MedGen C0027672, MeSH D009386, MONDO:0015356.

Allele frequency attached by ClinVar (database versions not stated): ExAC 0.00001; gnomAD exomes 0.00001 and 0.00002; TOPMed 0.00003.
gnomAD v4.1: 5 of 1,613,650 alleles (0.00031%); highest among the groups gnomAD compares: Admixed American, 0.0083%; no homozygotes.

Submissions (7):

Quest Diagnostics Nichols Institute San Juan Capistrano
Classification: Uncertain significance. Last evaluated: 2025-05-01. Review status: criteria provided, single submitter. Criteria: Quest Diagnostics criteria. Collection method: clinical testing. Allele origin: unknown.

Labcorp Genetics (formerly Invitae), Labcorp
Classification: Benign for Tuberous sclerosis 2. Last evaluated: 2025-04-28. Review status: criteria provided, single submitter. Criteria: Invitae Variant Classification Sherloc (09022015). Collection method: clinical testing. Allele origin: germline.

All of Us Research Program, National Institutes of Health
Classification: Uncertain significance for Tuberous sclerosis syndrome. Last evaluated: 2024-04-10. Review status: criteria provided, single submitter. Criteria: ACMG Guidelines, 2015. Collection method: clinical testing. Allele origin: germline. Inheritance: Autosomal dominant inheritance. Observed: 1 variant allele, 1 heterozygote.
Comment: This study involves interpretation of variants in research participants for the purpose of population health screening. Participant phenotype was not available at the time of variant classification. Additional details can be found in publication PMID: 35346344, PMCID: PMC8962531

Ambry Genetics
Classification: Uncertain significance for Hereditary cancer-predisposing syndrome. Last evaluated: 2023-11-12. Review status: criteria provided, single submitter. Criteria: Ambry Variant Classification Scheme 2023. Collection method: clinical testing. Allele origin: germline.
Comment: The p.T746I variant (also known as c.2237C>T), located in coding exon 20 of the TSC2 gene, results from a C to T substitution at nucleotide position 2237. The threonine at codon 746 is replaced by isoleucine, an amino acid with similar properties. This amino acid position is well conserved in available vertebrate species. In addition, the in silico prediction for this alteration is inconclusive. Since supporting evidence is limited at this time, the clinical significance of this alteration remains unclear.

Revvity Omics, Revvity
Classification: Uncertain significance for Tuberous sclerosis 2. Last evaluated: 2022-01-28. Review status: criteria provided, single submitter. Criteria: ACMG Guidelines, 2015. Collection method: clinical testing. Allele origin: germline.

Genome-Nilou Lab
Classification: Likely benign for Tuberous sclerosis 2. Last evaluated: 2021-11-07. Review status: criteria provided, single submitter. Criteria: ACMG Guidelines, 2015. Collection method: clinical testing. Allele origin: germline. Affected: no.

GeneDx
Classification: Likely benign. Last evaluated: 2020-09-10. Review status: criteria provided, single submitter. Criteria: GeneDx Variant Classification Process June 2021. Collection method: clinical testing. Allele origin: germline. Affected: yes.

NM_000548.5(TSC2):c.2237C>T (p.Thr746Ile)

Gene: TSC2 (TSC complex subunit 2; plus strand). Cytogenetic location: 16p13.3.
Variant type: single nucleotide variant.
Coding change: c.2237C>T on transcript NM_000548.5 (MANE Select); coding-DNA position 2237, C replaced by T.
Protein change: p.Thr746Ile; replaces threonine 746 with isoleucine.
Molecular consequence: missense variant.
Genome position (GRCh38, 1-based): chr16:2,072,865, C>T. VCF-style: chr16-2072865-C-T. GRCh37 (hg19) VCF-style: chr16-2122866-C-T.
Other names: p.T746I:ACA>ATA; c.2237C>T, p.Thr746Ile (NM_001077183.3, NM_001114382.3, NM_001363528.2 and 3 more transcripts); c.2126C>T, p.Thr709Ile (NM_001318827.2); c.2090C>T, p.Thr697Ile (NM_001318829.2); c.1637C>T, p.Thr546Ile (NM_001318831.2); c.2270C>T, p.Thr757Ile (NM_001318832.2); short protein forms T746I, T546I, T697I, T709I, T757I.
Identifiers: ClinVar variation 207726 (VCV000207726.24), dbSNP rs767770242, ClinGen allele CA037685.